The following is an entry in ClinVar:

NM_001114753.3(ENG):c.1216C>T (p.Arg406Cys)

Genes: ENG (endoglin; minus strand), LOC102723566 (uncharacterized LOC102723566; plus strand). Cytogenetic location: 9q34.11.
Variant type: single nucleotide variant.
Coding change: c.1216C>T on transcript NM_001114753.3 (MANE Select); coding-DNA position 1216, C replaced by T.
Protein change: p.Arg406Cys; replaces arginine 406 with cysteine.
Molecular consequence: missense variant.
Genome position (GRCh38, 1-based): chr9:127,819,956, G>A on the plus strand (C>T on the coding strand, the complement: ENG is on the minus strand). VCF-style: chr9-127819956-G-A. GRCh37 (hg19) VCF-style: chr9-130582235-G-A.
Other names: c.1216C>T, p.Arg406Cys (NM_000118.4); c.670C>T, p.Arg224Cys (NM_001278138.2); c.1216C>T (NM_001114753.1); short protein forms R406C, R224C.
Identifiers: ClinVar variation 1415156 (VCV001415156.6), dbSNP rs751787590, ClinGen allele CA5252846.
Genomic context (GRCh38, chr9:127,819,956, plus strand): 5'-TTACCTCATTGCTGATCATACTTGCTGACACCTGCATGCCACAGCTGGAGTAAGCACTGC[G>A]CAAGACAAACTTGTCACCCCTGTCCTCTGCCTCACAGCTGGGGTCCCAGAAGGTCAGGCC-3'
Protein context (NP_001108225.1, residues 396-416): AEDRGDKFVL[Arg406Cys]SAYSSCGMQV

ClinVar aggregate classification (germline): Conflicting classifications of pathogenicity. Review status: criteria provided, conflicting classifications (1 of 4 stars). 2 submissions from 2 submitters: Uncertain significance (1); Likely benign (1). Last evaluated 2025-12-23.

Conditions:
Hereditary hemorrhagic telangiectasia (HHT). Also called: ORW DISEASE; Osler Weber Rendu syndrome; OSLER-RENDU-WEBER DISEASE; Osler hemorrhagic telangiectasia syndrome. Identifiers: Orphanet 774, MedGen C0039445, MONDO:0019180. Disease mechanism: loss of function.
Cardiovascular phenotype. Identifiers: MedGen CN230736.

gnomAD v4.1: 8 of 1,614,092 alleles (0.0005%); highest among the groups gnomAD compares: East Asian, 0.0022%; no homozygotes.

Submissions (2):

Ambry Genetics
Classification: Uncertain significance for Cardiovascular phenotype. Last evaluated: 2025-12-23. Review status: criteria provided, single submitter. Criteria: Ambry Variant Classification Scheme 2023. Collection method: clinical testing. Allele origin: germline.
Comment: The p.R406C variant (also known as c.1216C>T), located in coding exon 9 of the ENG gene, results from a C to T substitution at nucleotide position 1216. The arginine at codon 406 is replaced by cysteine, an amino acid with highly dissimilar properties. This amino acid position is conserved. In addition, this alteration is predicted to be tolerated by in silico analysis. Based on the available evidence, the clinical significance of this variant remains unclear.

Labcorp Genetics (formerly Invitae), Labcorp
Classification: Likely benign for Hereditary hemorrhagic telangiectasia. Last evaluated: 2025-11-17. Review status: criteria provided, single submitter. Criteria: Invitae Variant Classification Sherloc (09022015). Collection method: clinical testing. Allele origin: germline.